The following is an entry in ClinVar:

ClinVar aggregate classification (germline): Uncertain significance (1 of 4 stars; one submission).

Conditions:
Cataract 14 multiple types. Also called: CATARACT 14, NUCLEAR PULVERULENT; CATARACT 14, NUCLEAR PULVERULENT AND POSTERIOR POLAR; CATARACT 14, NUCLEAR CORALLIFORM; CATARACT 14, EMBRYONAL NUCLEAR; CATARACT 14, COPPOCK-LIKE; CATARACT 14, ZONULAR PULVERULENT. Identifiers: Orphanet 91492, MedGen C1866078, MONDO:0011162, OMIM 601885.

Submission:

Labcorp Genetics (formerly Invitae), Labcorp
Classification: Uncertain significance for Cataract 14 multiple types. Last evaluated: 2019-05-13. Review status: criteria provided, single submitter. Criteria: Invitae Variant Classification Sherloc (09022015). Collection method: clinical testing. Allele origin: germline.
Comment: A gross deletion of the genomic region encompassing the full coding sequence of the GJA3 gene has been identified. The boundaries of this event are unknown as the deletion extends beyond the assayed region for this gene and therefore may encompass additional genes. This variant has not been reported in the literature in individuals with GJA3-related conditions. The current clinical and genetic evidence is not sufficient to establish whether loss-of-function variants in GJA3 cause disease. In summary, the available evidence is currently insufficient to determine the role of this variant in disease. Therefore, it has been classified as a Variant of Uncertain Significance.

NC_000013.11:g.(?_20141961)_(20824841_?)del

Genes: CRYL1 (crystallin lambda 1; minus strand), EEF1AKMT1 (EEF1A lysine methyltransferase 1; minus strand), GJA3 (gap junction protein alpha 3; minus strand), GJB2 (gap junction protein beta 2; minus strand), GJB6 (gap junction protein beta 6; minus strand) and 3 more. Cytogenetic location: 13q12.11.
Variant type: Deletion.
Identifiers: ClinVar variation 830569 (VCV000830569.4).